The following is an entry in ClinVar:

ClinVar aggregate classification (germline): Uncertain significance (1 of 4 stars; one submission).

Submission:

Labcorp Genetics (formerly Invitae), Labcorp
Classification: Uncertain significance. Last evaluated: 2022-06-10. Review status: criteria provided, single submitter. Criteria: Invitae Variant Classification Sherloc (09022015). Collection method: clinical testing. Allele origin: germline.
Comment: This sequence change replaces serine, which is neutral and polar, with glycine, which is neutral and non-polar, at codon 225 of the USH1C protein (p.Ser225Gly). This variant is not present in population databases (gnomAD no frequency). This variant has not been reported in the literature in individuals affected with USH1C-related conditions. Algorithms developed to predict the effect of missense changes on protein structure and function are either unavailable or do not agree on the potential impact of this missense change (SIFT: "Tolerated"; PolyPhen-2: "Possibly Damaging"; Align-GVGD: "Class C0"). Algorithms developed to predict the effect of sequence changes on RNA splicing suggest that this variant may disrupt the consensus splice site. In summary, the available evidence is currently insufficient to determine the role of this variant in disease. Therefore, it has been classified as a Variant of Uncertain Significance.

NM_153676.4(USH1C):c.673A>G (p.Ser225Gly)

Gene: USH1C (USH1 protein network component harmonin; minus strand). Cytogenetic location: 11p15.1.
Variant type: single nucleotide variant.
Coding change: c.673A>G on transcript NM_153676.4 (MANE Select); coding-DNA position 673, A replaced by G.
Protein change: p.Ser225Gly; replaces serine 225 with glycine.
Molecular consequence: missense variant. On other transcripts: non-coding transcript variant (1).
Genome position (GRCh38, 1-based): chr11:17,526,348, T>C on the plus strand (A>G on the coding strand, the complement: USH1C is on the minus strand). VCF-style: chr11-17526348-T-C. GRCh37 (hg19) VCF-style: chr11-17547895-T-C.
Other names: c.673A>G, p.Ser225Gly (NM_001297764.2, NM_005709.4); short protein forms S225G.
Identifiers: ClinVar variation 1901121 (VCV001901121.2), dbSNP rs1850671201, ClinGen allele CA379793120.